The following is an entry in ClinVar:

ClinVar aggregate classification (germline): Benign/Likely benign. Review status: criteria provided, multiple submitters, no conflicts (2 of 4 stars). 3 submissions from 3 submitters: Benign (1); Likely benign (2). Last evaluated 2024-08-13.

Conditions:
Hereditary cancer-predisposing syndrome. Also called: Neoplastic Syndromes, Hereditary; Tumor predisposition; Hereditary neoplastic syndrome; Hereditary Cancer Syndrome. Identifiers: Orphanet 140162, MedGen C0027672, MeSH D009386, MONDO:0015356.
Familial cancer of breast. Also called: BREAST CANCER, FAMILIAL; Hereditary breast cancer; hereditary breast carcinoma. Identifiers: Orphanet 227535, MedGen C0346153, MONDO:0016419, OMIM 114480. Disease mechanism: loss of function.

Allele frequency attached by ClinVar (database versions not stated): gnomAD exomes below 0.00001.
gnomAD v4.1: 2 of 1,594,836 alleles (0.00013%); highest among the groups gnomAD compares: Non-Finnish European, 0.00017%; no homozygotes.

Submissions (3):

Labcorp Genetics (formerly Invitae), Labcorp
Classification: Likely benign for Familial cancer of breast. Last evaluated: 2024-08-13. Review status: criteria provided, single submitter. Criteria: Invitae Variant Classification Sherloc (09022015). Collection method: clinical testing. Allele origin: germline.

Myriad Genetics, Inc.
Classification: Benign for Familial cancer of breast. Last evaluated: 2024-07-22. Review status: criteria provided, single submitter. Criteria: Myriad Autosomal Dominant, Autosomal Recessive and X-Linked Classification Criteria (2023). Collection method: clinical testing. Allele origin: unknown.
Comment: This variant is considered benign. This variant is a silent/synonymous amino acid change and it is not expected to impact splicing.

Ambry Genetics
Classification: Likely benign for Hereditary cancer-predisposing syndrome. Last evaluated: 2019-05-25. Review status: criteria provided, single submitter. Criteria: Ambry Variant Classification Scheme 2023. Collection method: clinical testing. Allele origin: germline.

NM_000465.4(BARD1):c.648A>G (p.Gln216=)

Gene: BARD1 (BRCA1 associated RING domain 1; minus strand). Cytogenetic location: 2q35.
Variant type: single nucleotide variant.
Coding change: c.648A>G on transcript NM_000465.4 (MANE Select); coding-DNA position 648, A replaced by G.
Protein change: p.Gln216=; no amino-acid change (glutamine 216 retained).
Molecular consequence: synonymous variant. On other transcripts: non-coding transcript variant (2), intron variant (3).
Genome position (GRCh38, 1-based): chr2:214,781,226, T>C on the plus strand (A>G on the coding strand, the complement: BARD1 is on the minus strand). VCF-style: chr2-214781226-T-C. GRCh37 (hg19) VCF-style: chr2-215645950-T-C.
Other names: c.591A>G, p.Gln197= (NM_001282543.2); c.158+28186A>G (NM_001282548.2); c.215+15835A>G (NM_001282545.2); c.364+11071A>G (NM_001282549.2).
Identifiers: ClinVar variation 826434 (VCV000826434.15), dbSNP rs954825746, ClinGen allele CA64788848.